The following is an entry in ClinVar:

NM_153676.4(USH1C):c.2210_2211dup (p.Asp738fs)

Gene: USH1C (USH1 protein network component harmonin; minus strand). Cytogenetic location: 11p15.1.
Variant type: Duplication.
Coding change: c.2210_2211dup on transcript NM_153676.4 (MANE Select); coding-DNA positions 2210 to 2211, 2 bases duplicated (TT; older notation c.2210_2211dupTT).
Protein change: p.Asp738fs; shifts the reading frame from aspartic acid 738.
Molecular consequence: frameshift variant. On other transcripts: non-coding transcript variant (1).
Genome position (GRCh38, 1-based): chr11:17,501,954-17,501,955, AA duplicated on the plus strand (TT on the coding strand, the reverse complement: USH1C is on the minus strand); duplicating any 2 consecutive bases within chr11:17,501,954-17,501,956 gives the same sequence; the c. name uses the placement nearest the transcript's 3' end. VCF-style (leftmost placement, unchanged base first): chr11-17501953-C-CAA. GRCh37 (hg19) VCF-style: chr11-17523500-C-CAA.
Other names: c.1253_1254dup, p.Asp419fs (NM_001297764.2); c.1310_1311dup, p.Asp438fs (NM_005709.4); short protein forms D419fs, D738fs, D438fs.
Identifiers: ClinVar variation 2745053 (VCV002745053.3), dbSNP rs2497007624, ClinGen allele CA2697548472.
Genomic context (GRCh38, chr11:17,501,953, plus strand): 5'-CCTGTTCCTGGGGTTACTTGTCCAGGAGAGAAGCGTCATCTCTTACCATAGAGTAGGGGT[C>CAA]AAAGCCTTCCTCATATTTCCGGAAATCCTGGAAGCAAAGGGAGGGCTTTAGGGCAACACA-3'

ClinVar aggregate classification (germline): Pathogenic (1 of 4 stars; one submission).

Submission:

Labcorp Genetics (formerly Invitae), Labcorp
Classification: Pathogenic. Last evaluated: 2023-07-19. Review status: criteria provided, single submitter. Criteria: Invitae Variant Classification Sherloc (09022015). Collection method: clinical testing. Allele origin: germline.
Comment: This variant is not present in population databases (gnomAD no frequency). This sequence change creates a premature translational stop signal (p.Asp438Leufs*28) in the USH1C gene. It is expected to result in an absent or disrupted protein product. Loss-of-function variants in USH1C are known to be pathogenic (PMID: 10973247, 17407589, 20301442, 21203349). This variant has not been reported in the literature in individuals affected with USH1C-related conditions. For these reasons, this variant has been classified as Pathogenic.

Literature cited by the submitters: PubMed 10973247; PubMed 17407589; PubMed 20301442; PubMed 21203349.